The following is an entry in ClinVar:

ClinVar aggregate classification (germline): Uncertain significance (1 of 4 stars; one submission).

Conditions:
Singleton-Merten syndrome 1 (SGMRT1). Also called: Widened medullary cavities of bone, aortic calcification, abnormal dentition, and muscular weakness; Syndrome of widened medullary cavities of the metacarpals and phalanges, aortic calcification and abnormal dentition. Identifiers: Orphanet 85191, MedGen C4225427, MONDO:0024535, OMIM 182250.
Aicardi-Goutieres syndrome 7 (AGS7). Identifiers: Orphanet 51, MedGen C3888244, MONDO:0014367, OMIM 615846.

Submission:

Labcorp Genetics (formerly Invitae), Labcorp
Classification: Uncertain significance for Aicardi-Goutieres syndrome 7; Singleton-Merten syndrome 1. Last evaluated: 2024-08-31. Review status: criteria provided, single submitter. Criteria: Invitae Variant Classification Sherloc (09022015). Collection method: clinical testing. Allele origin: germline.
Comment: This sequence change falls in intron 12 of the IFIH1 gene. It does not directly change the encoded amino acid sequence of the IFIH1 protein. It affects a nucleotide within the consensus splice site. This variant is not present in population databases (gnomAD no frequency). This variant has not been reported in the literature in individuals affected with IFIH1-related conditions. Variants that disrupt the consensus splice site are a relatively common cause of aberrant splicing (PMID: 17576681, 9536098). Algorithms developed to predict the effect of sequence changes on RNA splicing suggest that this variant may disrupt the consensus splice site. In summary, the available evidence is currently insufficient to determine the role of this variant in disease. Therefore, it has been classified as a Variant of Uncertain Significance.

Literature cited by the submitters: PubMed 17576681; PubMed 9536098.

NM_022168.4(IFIH1):c.2454+3A>T

Gene: IFIH1 (interferon induced with helicase C domain 1; minus strand). Cytogenetic location: 2q24.2.
Variant type: single nucleotide variant.
Coding change: c.2454+3A>T on transcript NM_022168.4 (MANE Select); 3 bases into the intron after coding-DNA position 2454, A replaced by T.
Molecular consequence: intron variant.
Genome position (GRCh38, 1-based): chr2:162,273,792, T>A on the plus strand (A>T on the coding strand, the complement: IFIH1 is on the minus strand). VCF-style: chr2-162273792-T-A. GRCh37 (hg19) VCF-style: chr2-163130302-T-A.
Identifiers: ClinVar variation 3757741 (VCV003757741.2).
Genomic context (GRCh38, chr2:162,273,792, plus strand): 5'-GCAATTAAAATAGGAACACAACAAATAAAAATTAACATAGTAAGTAGAGGTATTTGAATG[T>A]ACCTGGACCATGGCTATTTCATTGGTGACGAGACCATAACGGATAACAATGTTACATTCT-3'